The following is an entry in ClinVar:

NM_006361.6(HOXB13):c.492G>A (p.Leu164=)

Gene: HOXB13 (homeobox B13; minus strand). Cytogenetic location: 17q21.32.
Variant type: single nucleotide variant.
Coding change: c.492G>A on transcript NM_006361.6 (MANE Select); coding-DNA position 492, G replaced by A.
Protein change: p.Leu164=; no amino-acid change (leucine 164 retained).
Molecular consequence: synonymous variant.
Genome position (GRCh38, 1-based): chr17:48,728,102, C>T on the plus strand (G>A on the coding strand, the complement: HOXB13 is on the minus strand). VCF-style: chr17-48728102-C-T. GRCh37 (hg19) VCF-style: chr17-46805464-C-T.
Identifiers: ClinVar variation 825299 (VCV000825299.14), dbSNP rs762580646, ClinGen allele CA8633980.
Genomic context (GRCh38, chr17:48,728,102, plus strand): 5'-GCAACACATCTGGCTGTTCCAGCCACCAGCGAGAGCCCAAGACTGGTAACTGTCCACAGG[C>T]AACAGGGAGTCATGTCGCGGTTCTCCAGGAGCACCCAGAGTCTGCACCACAGACACGTCC-3'
Protein context (NP_006352.2, residues 154-174): APGEPRHDSL[Leu164=]PVDSYQSWAL

ClinVar aggregate classification (germline): Benign/Likely benign. Review status: criteria provided, multiple submitters, no conflicts (2 of 4 stars). 3 submissions from 3 submitters: Benign (1); Likely benign (2). Last evaluated 2025-10-23.

Conditions:
Prostate cancer, hereditary, 9 (HPC9). Identifiers: Orphanet 1331, MedGen C1970250, MONDO:0012597, OMIM 610997.
Hereditary cancer-predisposing syndrome. Also called: Neoplastic Syndromes, Hereditary; Tumor predisposition; Hereditary neoplastic syndrome; Hereditary Cancer Syndrome. Identifiers: Orphanet 140162, MedGen C0027672, MeSH D009386, MONDO:0015356.

Allele frequency attached by ClinVar (database versions not stated): gnomAD exomes below 0.00001; TOPMed below 0.00001; ExAC 0.00001; gnomAD 0.00001.
gnomAD v4.1: 2 of 1,614,116 alleles (0.00012%); highest among the groups gnomAD compares: East Asian, 0.0022%; no homozygotes.

Submissions (3):

Labcorp Genetics (formerly Invitae), Labcorp
Classification: Likely benign. Last evaluated: 2025-10-23. Review status: criteria provided, single submitter. Criteria: Invitae Variant Classification Sherloc (09022015). Collection method: clinical testing. Allele origin: germline.

Myriad Genetics, Inc.
Classification: Benign for Prostate cancer, hereditary, 9. Last evaluated: 2024-10-30. Review status: criteria provided, single submitter. Criteria: Myriad Autosomal Dominant, Autosomal Recessive and X-Linked Classification Criteria (2023). Collection method: clinical testing. Allele origin: unknown.
Comment: This variant is considered benign. This variant is a silent/synonymous amino acid change and it is not expected to impact splicing.

Ambry Genetics
Classification: Likely benign for Hereditary cancer-predisposing syndrome. Last evaluated: 2017-09-25. Review status: criteria provided, single submitter. Criteria: Ambry Variant Classification Scheme 2023. Collection method: clinical testing. Allele origin: germline.